The following is an entry in ClinVar:

NM_000018.4(ACADVL):c.260T>C (p.Val87Ala)

Gene: ACADVL (acyl-CoA dehydrogenase very long chain; plus strand). Cytogenetic location: 17p13.1.
Variant type: single nucleotide variant.
Coding change: c.260T>C on transcript NM_000018.4 (MANE Select); coding-DNA position 260, T replaced by C.
Protein change: p.Val87Ala; replaces valine 87 with alanine.
Molecular consequence: missense variant.
Genome position (GRCh38, 1-based): chr17:7,220,659, T>C. VCF-style: chr17-7220659-T-C. GRCh37 (hg19) VCF-style: chr17-7123978-T-C.
Other names: c.194T>C, p.Val65Ala (NM_001033859.3); c.329T>C, p.Val110Ala (NM_001270447.2); c.32T>C, p.Val11Ala (NM_001270448.2); short protein forms V87A, V11A, V110A, V65A.
Identifiers: ClinVar variation 203570 (VCV000203570.22), dbSNP rs796051907, ClinGen allele CA312247.

ClinVar aggregate classification (germline): Uncertain significance. Review status: reviewed by expert panel (3 of 4 stars). 6 submissions from 6 submitters: Uncertain significance (1). 5 of the submissions do not count toward it. Last evaluated 2022-09-23.

Conditions:
Very long chain acyl-CoA dehydrogenase deficiency (ACADVLD). Also called: VLCAD Deficiency; Very Long-Chain Acyl-Coenzyme A Dehydrogenase Deficiency. Identifiers: Orphanet 26793, MedGen C3887523, MONDO:0008723, OMIM 201475.

Allele frequency attached by ClinVar (database versions not stated): gnomAD exomes below 0.00001 and 0.00001.
gnomAD v4.1: 3 of 1,614,114 alleles (0.00019%); highest among the groups gnomAD compares: Admixed American, 0.0017%; no homozygotes.

Submissions (6):

ClinGen ACADVL Variant Curation Expert Panel, ClinGen
Classification: Uncertain significance for Very long chain acyl-CoA dehydrogenase deficiency. Last evaluated: 2022-09-23. Review status: reviewed by expert panel. Criteria: clingen acadvl acmg specifications v1. Collection method: curation. Allele origin: germline. Inheritance: Autosomal recessive inheritance.
Comment: The c.260T>C variant in ACADVL has been reported in one individual with very long chain acyl-CoA dehydrogenase deficiency in the literature with reduced VLCAD activity (PP4; PMID: 30194637). In this same proband, the variant was detected one time not confirmed in-trans with the pathogenic variant c.848T>C (PM3_supporting; PMID: 30194637). The highest population minor allele frequency in gnomAD is 0.000003977 in the Latino population, which is lower than the ClinGen ACADVL Variant Curation Expert Panel threshold (<0.001) for PM2_Supporting, meeting this criterion (PM2_Supporting). The computational predictor REVEL gives a score of 0.76, which is above the threshold of 0.75, evidence that correlates with impact to ACADVL function (PP3). In summary, this variant currently has uncertain pathogenic significance for very long chain acyl-CoA dehydrogenase deficiency in an autosomal recessive manner based on the ACMG/AMP criteria applied, as specified by the ClinGen ACADVL Variant Curation Expert Panel: PP4; PM3_supporting; PM2_Supporting; PP3.

Labcorp Genetics (formerly Invitae), Labcorp
Classification: Likely pathogenic for Very long chain acyl-CoA dehydrogenase deficiency. Last evaluated: 2025-11-18. Review status: criteria provided, single submitter. Criteria: Invitae Variant Classification Sherloc (09022015). Collection method: clinical testing. Allele origin: germline. Not counted in ClinVar's aggregate classification.
Comment: This sequence change replaces valine, which is neutral and non-polar, with alanine, which is neutral and non-polar, at codon 87 of the ACADVL protein (p.Val87Ala). This variant is present in population databases (rs796051907, gnomAD 0.003%). This missense change has been observed in individual(s) with very long chain acyl-coA dehydrogenase deficiency (PMID: 30194637). ClinVar contains an entry for this variant (Variation ID: 203570). Invitae Evidence Modeling of protein sequence and biophysical properties (such as structural, functional, and spatial information, amino acid conservation, physicochemical variation, residue mobility, and thermodynamic stability) indicates that this missense variant is not expected to disrupt ACADVL protein function with a negative predictive value of 80%. In summary, the currently available evidence indicates that the variant is pathogenic, but additional data are needed to prove that conclusively. Therefore, this variant has been classified as Likely Pathogenic.

CeGaT Center for Human Genetics Tuebingen
Classification: Uncertain significance. Last evaluated: 2025-06-01. Review status: criteria provided, single submitter. Criteria: CeGaT Center For Human Genetics Tuebingen Variant Classification Criteria Version 2. Collection method: clinical testing. Allele origin: germline. Affected: yes. Observed: 1 variant allele. Not counted in ClinVar's aggregate classification.
Comment: ACADVL: PM2, PM3:Supporting, PP4

Dasa
Classification: Uncertain significance. Last evaluated: 2025-04-09. Review status: criteria provided, single submitter. Criteria: DASA Assertion Criteria. Collection method: clinical testing. Allele origin: germline. Not counted in ClinVar's aggregate classification.
Comment: NM_000018.4(ACADVL):c.260T>C (p.Val87Ala) is a missense variant that results in the substitution of valine with alanine. This variant has been reported in individuals with ACADVL-related disorders (PMID: 30194637). Also, this variant is rare in population databases. Computational prediction algorithms are consistent with a deleterious effect. The currently available literature and clinical evidence are not sufficient to establish a definitive association between this variant and the reported condition. Therefore, this variant is classified as a variant of uncertain significance.

Baylor Genetics
Classification: Likely pathogenic for Very long chain acyl-CoA dehydrogenase deficiency. Last evaluated: 2024-02-13. Review status: criteria provided, single submitter. Criteria: ACMG Guidelines, 2015. Collection method: clinical testing. Allele origin: unknown. Not counted in ClinVar's aggregate classification.

Wong Mito Lab, Molecular and Human Genetics, Baylor College of Medicine
Classification: Likely pathogenic for Very long chain acyl-CoA dehydrogenase deficiency. Last evaluated: 2019-11-01. Review status: criteria provided, single submitter. Criteria: ACMG Guidelines, 2015. Collection method: clinical testing. Allele origin: germline. Not counted in ClinVar's aggregate classification.
Comment: The NM_000018.3:c.260T>C (NP_000009.1:p.Val87Ala) [GRCH38: NC_000017.11:g.7220659T>C] variant in ACADVL gene is interpretated to be Likely pathogenic based on ACMG guidelines (PMID: 25741868). This variant has been reported. This variant meets the following evidence codes reported in the ACMG guidelines: PS3, PM3 PP3, PP4

Literature cited by the submitters: PubMed 30194637 (cited by Labcorp Genetics (formerly Invitae), Labcorp and Dasa).